The following is an entry in ClinVar:

NM_000256.3(MYBPC3):c.3370T>C (p.Cys1124Arg)

Gene: MYBPC3 (myosin binding protein C3; minus strand). Cytogenetic location: 11p11.2.
Variant type: single nucleotide variant.
Coding change: c.3370T>C on transcript NM_000256.3 (MANE Select); coding-DNA position 3370, T replaced by C.
Protein change: p.Cys1124Arg; replaces cysteine 1124 with arginine.
Molecular consequence: missense variant.
Genome position (GRCh38, 1-based): chr11:47,332,934, A>G on the plus strand (T>C on the coding strand, the complement: MYBPC3 is on the minus strand). VCF-style: chr11-47332934-A-G. GRCh37 (hg19) VCF-style: chr11-47354485-A-G.
Other names: short protein forms C1124R.
Identifiers: ClinVar variation 1303020 (VCV001303020.3), dbSNP rs1360819456, ClinGen allele CA380313764.

ClinVar aggregate classification (germline): Uncertain significance. Review status: criteria provided, multiple submitters, no conflicts (2 of 4 stars). 2 submissions from 2 submitters: Uncertain significance (2). Last evaluated 2023-08-23.

Conditions:
Hypertrophic cardiomyopathy. Also called: HYPERTROPHIC MYOCARDIOPATHY. Identifiers: Orphanet 217569, MedGen C0007194, MeSH D002312, MONDO:0005045, HP:0001639.

Allele frequency attached by ClinVar (database versions not stated): TOPMed below 0.00001; gnomAD 0.00001; gnomAD exomes 0.00001.
gnomAD v4.1: 9 of 1,610,718 alleles (0.00056%); highest among the groups gnomAD compares: East Asian, 0.0045%; no homozygotes.

Submissions (2):

All of Us Research Program, National Institutes of Health
Classification: Uncertain significance for Hypertrophic cardiomyopathy. Last evaluated: 2023-08-23. Review status: criteria provided, single submitter. Criteria: ACMG Guidelines, 2015. Collection method: clinical testing. Allele origin: germline. Inheritance: Autosomal dominant inheritance. Observed: 1 variant allele, 1 heterozygote.
Comment: This missense variant replaces cysteine with arginine at codon 1124 of the MYBPC3 protein. Computational prediction suggests that this variant may have a deleterious impact on protein structure and function (internally defined REVEL score threshold >= 0.7, PMID: 27666373). To our knowledge, functional studies have not been reported for this variant. This variant has been reported in individuals affected with hypertrophic cardiomyopathy (PMID: 22112859, 27600940, 30297972, 32841044). Some of these individuals also carried different pathogenic variants in the same gene (PMID: 22112859, 27600940). This variant has been identified in 1/31348 chromosomes in the general population by the Genome Aggregation Database (gnomAD). The available evidence is insufficient to determine the role of this variant in disease conclusively. Therefore, this variant is classified as a Variant of Uncertain Significance.

This study involves interpretation of variants in research participants for the purpose of population health screening. Participant phenotype was not available at the time of variant classification. Additional details can be found in publication PMID: 35346344, PMCID: PMC8962531

GeneDx
Classification: Uncertain significance. Last evaluated: 2019-09-27. Review status: criteria provided, single submitter. Criteria: GeneDx Variant Classification Process June 2021. Collection method: clinical testing. Allele origin: germline. Affected: yes.
Comment: In silico analysis, which includes protein predictors and evolutionary conservation, supports a deleterious effect; This variant is associated with the following publications: (PMID: 22112859)

Literature cited by the submitters: PubMed 22112859 (cited by All of Us Research Program, National Institutes of Health); PubMed 27600940 (cited by All of Us Research Program, National Institutes of Health); PubMed 30297972 (cited by All of Us Research Program, National Institutes of Health); PubMed 32841044 (cited by All of Us Research Program, National Institutes of Health).